The following is an entry in ClinVar:

NM_001377299.1(NDUFS2):c.70G>C (p.Val24Leu)

Genes: NDUFS2 (NADH:ubiquinone oxidoreductase core subunit S2; plus strand), LOC129931761 (ATAC-STARR-seq lymphoblastoid active region 1985; plus strand). Cytogenetic location: 1q23.3.
Variant type: single nucleotide variant.
Coding change: c.70G>C on transcript NM_001377299.1 (MANE Select); coding-DNA position 70, G replaced by C.
Protein change: p.Val24Leu; replaces valine 24 with leucine.
Molecular consequence: missense variant. On other transcripts: non-coding transcript variant (1).
Genome position (GRCh38, 1-based): chr1:161,202,455, G>C. VCF-style: chr1-161202455-G-C. GRCh37 (hg19) VCF-style: chr1-161172245-G-C.
Other names: p.V24L:GTC>CTC; c.70G>C, p.Val24Leu (NM_001166159.2, NM_001377298.1, NM_001377300.1 and 3 more transcripts); short protein forms V24L.
Identifiers: ClinVar variation 214789 (VCV000214789.2), dbSNP rs772424969, ClinGen allele CA320530.

ClinVar aggregate classification (germline): Conflicting classifications of pathogenicity. Review status: criteria provided, conflicting classifications (1 of 4 stars). 2 submissions from 2 submitters: Uncertain significance (1); Likely benign (1). Last evaluated 2025-01-09.

Conditions:
Inborn genetic diseases. Identifiers: MedGen C0950123, MeSH D030342.

Allele frequency attached by ClinVar (database versions not stated): ExAC 0.00003; gnomAD exomes 0.00001.
gnomAD v4.1: 19 of 1,612,018 alleles (0.0012%); highest among the groups gnomAD compares: South Asian, 0.0055%; no homozygotes.

Submissions (2):

Ambry Genetics
Classification: Uncertain significance for Inborn genetic diseases. Last evaluated: 2025-01-09. Review status: criteria provided, single submitter. Criteria: Ambry Variant Classification Scheme 2023. Collection method: clinical testing. Allele origin: germline.

GeneDx
Classification: Likely benign. Last evaluated: 2013-04-19. Review status: criteria provided, single submitter. Criteria: GeneDx Variant Classification (06012015). Collection method: clinical testing. Allele origin: germline. Affected: yes.
Comment: This variant is considered likely benign or benign based on one or more of the following criteria: it is a conservative change, it occurs at a poorly conserved position in the protein, it is predicted to be benign by multiple in silico algorithms, and/or has population frequency not consistent with disease.